The following is an entry in ClinVar:

NM_001382347.1(MYO5A):c.2642A>G (p.His881Arg)

Gene: MYO5A (myosin VA; minus strand). Cytogenetic location: 15q21.2.
Variant type: single nucleotide variant.
Coding change: c.2642A>G on transcript NM_001382347.1 (MANE Select); coding-DNA position 2642, A replaced by G.
Protein change: p.His881Arg; replaces histidine 881 with arginine.
Molecular consequence: missense variant.
Genome position (GRCh38, 1-based): chr15:52,372,299, T>C on the plus strand (A>G on the coding strand, the complement: MYO5A is on the minus strand). VCF-style: chr15-52372299-T-C. GRCh37 (hg19) VCF-style: chr15-52664496-T-C.
Other names: c.2642A>G, p.His881Arg (NM_000259.3, NM_001142495.2, NM_001411135.1); c.2714A>G, p.His905Arg (NM_001382348.1, NM_001382349.1); short protein forms H881R, H905R.
Identifiers: ClinVar variation 2360895 (VCV002360895.4), dbSNP rs201410680, ClinGen allele CA7568634.

ClinVar aggregate classification (germline): Conflicting classifications of pathogenicity. Review status: criteria provided, conflicting classifications (1 of 4 stars). 2 submissions from 2 submitters: Uncertain significance (1); Likely benign (1). Last evaluated 2024-04-14.

Conditions:
Inborn genetic diseases. Identifiers: MedGen C0950123, MeSH D030342.

Allele frequency attached by ClinVar (database versions not stated): gnomAD exomes 0.00004; ExAC 0.00011; 1000 Genomes Project 30x 0.00016; 1000 Genomes Project 0.00020; ESP Exome Variant Server 0.00024; gnomAD 0.00037; TOPMed 0.00042.
gnomAD v4.1: 120 of 1,609,648 alleles (0.0075%); highest among the groups gnomAD compares: African/African-American, 0.15%; no homozygotes.

Submissions (2):

Labcorp Genetics (formerly Invitae), Labcorp
Classification: Uncertain significance. Last evaluated: 2024-04-14. Review status: criteria provided, single submitter. Criteria: Invitae Variant Classification Sherloc (09022015). Collection method: clinical testing. Allele origin: germline.
Comment: This sequence change replaces histidine, which is basic and polar, with arginine, which is basic and polar, at codon 881 of the MYO5A protein (p.His881Arg). This variant is present in population databases (rs201410680, gnomAD 0.1%). This variant has not been reported in the literature in individuals affected with MYO5A-related conditions. ClinVar contains an entry for this variant (Variation ID: 2360895). Advanced modeling of protein sequence and biophysical properties (such as structural, functional, and spatial information, amino acid conservation, physicochemical variation, residue mobility, and thermodynamic stability) performed at Invitae indicates that this missense variant is not expected to disrupt MYO5A protein function with a negative predictive value of 80%. In summary, the available evidence is currently insufficient to determine the role of this variant in disease. Therefore, it has been classified as a Variant of Uncertain Significance.

Ambry Genetics
Classification: Likely benign for Inborn genetic diseases. Last evaluated: 2021-08-30. Review status: criteria provided, single submitter. Criteria: Ambry Variant Classification Scheme 2023. Collection method: clinical testing. Allele origin: germline.